The following is an entry in ClinVar:

ClinVar aggregate classification (germline): Uncertain significance (1 of 4 stars; one submission).

Conditions:
Intellectual developmental disorder with seizures and language delay (IDDSELD). Identifiers: MedGen C5436574, MONDO:0033559, OMIM 619000.

Allele frequency attached by ClinVar (database versions not stated): gnomAD exomes below 0.00001; TOPMed below 0.00001; gnomAD 0.00001.
gnomAD v4.1: 4 of 1,551,106 alleles (0.00026%); highest among the groups gnomAD compares: African/African-American, 0.0014%; no homozygotes.

Submission:

Breda Genetics srl
Classification: Uncertain significance for Intellectual developmental disorder with seizures and language delay. Last evaluated: 2021-05-21. Review status: criteria provided, single submitter. Criteria: ACMG Guidelines, 2015. Collection method: clinical testing. Allele origin: germline. Inheritance: Autosomal dominant inheritance. Affected: yes. Observed: 1 variant allele, 1 heterozygote.
Comment: The variant c.3878C> T (p.Ala1293Val) in the SETD1B gene has not been reported in dbSNP, gnomAD, 1000 Genomes Project or ClinVar. The nucleotide position is weakly conserved across 35 mammalian species (GERP RS: 1.84). In silico analysis indicates that the variant might be neutral. However, especially in the setting of variable expressivity, it is advised to use in silico prediction tools with caution (PMID:29805046).

NM_001353345.2(SETD1B):c.3878C>T (p.Ala1293Val)

Gene: SETD1B (SET domain containing 1B, histone lysine methyltransferase; plus strand). Cytogenetic location: 12q24.31.
Variant type: single nucleotide variant.
Coding change: c.3878C>T on transcript NM_001353345.2 (MANE Select); coding-DNA position 3878, C replaced by T.
Protein change: p.Ala1293Val; replaces alanine 1293 with valine.
Molecular consequence: missense variant.
Genome position (GRCh38, 1-based): chr12:121,819,863, C>T. VCF-style: chr12-121819863-C-T. GRCh37 (hg19) VCF-style: chr12-122257769-C-T.
Other names: short protein forms A1293V.
Identifiers: ClinVar variation 1299419 (VCV001299419.1), dbSNP rs1876485013, ClinGen allele CA386997868.